The following is an entry in ClinVar:

ClinVar aggregate classification (germline): Benign/Likely benign. Review status: criteria provided, multiple submitters, no conflicts (2 of 4 stars). 2 submissions from 2 submitters: Benign (1); Likely benign (1). Last evaluated 2025-11-25.

Allele frequency attached by ClinVar (database versions not stated): gnomAD exomes 0.00014 and 0.00042; ExAC 0.00050; ESP Exome Variant Server 0.00115; gnomAD 0.00129 and 0.00135; TOPMed 0.00136; 1000 Genomes Project 0.00280; 1000 Genomes Project 30x 0.00297.
gnomAD v4.1: 421 of 1,613,526 alleles (0.026%); highest among the groups gnomAD compares: African/African-American, 0.45%; 2 homozygotes.

Submissions (2):

Labcorp Genetics (formerly Invitae), Labcorp
Classification: Likely benign. Last evaluated: 2025-11-25. Review status: criteria provided, single submitter. Criteria: Invitae Variant Classification Sherloc (09022015). Collection method: clinical testing. Allele origin: germline.

Athena Diagnostics
Classification: Benign. Last evaluated: 2025-09-29. Review status: criteria provided, single submitter. Criteria: Athena Diagnostics Criteria. Collection method: clinical testing. Allele origin: unknown.
Comment: The frequency of this variant in the general population is higher than would generally be expected for pathogenic variants in this gene. Computational tools predict this amino acid change may be benign. This variant has been seen where an alternate explanation for disease was also identified.

NM_004115.4(FGF14):c.373A>G (p.Ile125Val)

Gene: FGF14 (fibroblast growth factor 14; minus strand). Cytogenetic location: 13q33.1.
Variant type: single nucleotide variant.
Coding change: c.373A>G on transcript NM_004115.4 (MANE Select); coding-DNA position 373, A replaced by G.
Protein change: p.Ile125Val; replaces isoleucine 125 with valine.
Molecular consequence: missense variant.
Genome position (GRCh38, 1-based): chr13:101,868,760, T>C on the plus strand (A>G on the coding strand, the complement: FGF14 is on the minus strand). VCF-style: chr13-101868760-T-C. GRCh37 (hg19) VCF-style: chr13-102521110-T-C.
Other names: c.121A>G, p.Ile41Val (NM_001321931.1, NM_001321934.1, NM_001321935.1 and 4 more transcripts); c.184A>G, p.Ile62Val (NM_001321932.1, NM_001321936.1, NM_001321944.1); c.193A>G, p.Ile65Val (NM_001321933.1, NM_001321938.2, NM_001321940.1); c.388A>G, p.Ile130Val (NM_001321937.2, NM_175929.3); c.277A>G, p.Ile93Val (NM_001321939.2); c.187A>G, p.Ile63Val (NM_001321941.2); c.271A>G, p.Ile91Val (NM_001321945.2, NM_001321948.2, NM_001379342.1); c.232A>G, p.Ile78Val (NM_001321947.2); short protein forms I130V, I41V, I93V, I125V, I65V, I91V, I63V, I78V.
Identifiers: ClinVar variation 447326 (VCV000447326.11), dbSNP rs34073982, ClinGen allele CA7037185.